The following is an entry in ClinVar:

ClinVar aggregate classification (germline): Conflicting classifications of pathogenicity. Review status: criteria provided, conflicting classifications (1 of 4 stars). 2 submissions from 2 submitters: Uncertain significance (1); Likely benign (1). Last evaluated 2023-03-23.

Conditions:
Hereditary cancer-predisposing syndrome. Also called: Tumor predisposition; Hereditary neoplastic syndrome; Hereditary Cancer Syndrome; Neoplastic Syndromes, Hereditary. Identifiers: Orphanet 140162, MedGen C0027672, MeSH D009386, MONDO:0015356.
Hereditary breast ovarian cancer syndrome. Also called: Hereditary breast and ovarian cancer; Breast and ovarian cancer; BRCA1- and BRCA2-Associated Hereditary Breast and Ovarian Cancer; Hereditary breast and/or ovarian cancer syndrome; Hereditary breast and ovarian cancer syndrome; Hereditary breast and ovarian cancer syndrome (HBOC). Identifiers: Orphanet 145, MedGen C0677776, MeSH D061325, MONDO:0003582. Disease mechanism: loss of function.

Submissions (2):

University of Washington Department of Laboratory Medicine, University of Washington
Classification: Likely benign for Hereditary cancer-predisposing syndrome. Last evaluated: 2023-03-23. Review status: criteria provided, single submitter. Criteria: Dines et al. (Genet Med. 2020). Collection method: curation. Allele origin: germline.
Comment: Missense variant in a coldspot region where missense variants are very unlikely to be pathogenic (PMID:31911673).

BRCA2 exon 11 coldspot. Reclassification based on statistical prior probability.

Labcorp Genetics (formerly Invitae), Labcorp
Classification: Uncertain significance for Hereditary breast ovarian cancer syndrome. Last evaluated: 2022-04-10. Review status: criteria provided, single submitter. Criteria: Invitae Variant Classification Sherloc (09022015). Collection method: clinical testing. Allele origin: germline.
Comment: This sequence change replaces alanine, which is neutral and non-polar, with serine, which is neutral and polar, at codon 1411 of the BRCA2 protein (p.Ala1411Ser). This variant is not present in population databases (gnomAD no frequency). This variant has not been reported in the literature in individuals affected with BRCA2-related conditions. Advanced modeling of protein sequence and biophysical properties (such as structural, functional, and spatial information, amino acid conservation, physicochemical variation, residue mobility, and thermodynamic stability) performed at Invitae indicates that this missense variant is not expected to disrupt BRCA2 protein function. In summary, the available evidence is currently insufficient to determine the role of this variant in disease. Therefore, it has been classified as a Variant of Uncertain Significance.

NM_000059.4(BRCA2):c.4231G>T (p.Ala1411Ser)

Gene: BRCA2 (BRCA2 DNA repair associated; plus strand). Cytogenetic location: 13q13.1.
Variant type: single nucleotide variant.
Coding change: c.4231G>T on transcript NM_000059.4 (MANE Select); coding-DNA position 4231, G replaced by T.
Protein change: p.Ala1411Ser; replaces alanine 1411 with serine.
Molecular consequence: missense variant.
Genome position (GRCh38, 1-based): chr13:32,338,586, G>T. VCF-style: chr13-32338586-G-T. GRCh37 (hg19) VCF-style: chr13-32912723-G-T.
Other names: short protein forms A1411S.
Identifiers: ClinVar variation 1461701 (VCV001461701.7), dbSNP rs1202062406, ClinGen allele CA387780355.